The following is an entry in ClinVar:

ClinVar aggregate classification (germline): Uncertain significance (1 of 4 stars; one submission).

Conditions:
Hereditary cancer-predisposing syndrome. Also called: Tumor predisposition; Hereditary neoplastic syndrome; Neoplastic Syndromes, Hereditary; Hereditary Cancer Syndrome. Identifiers: Orphanet 140162, MedGen C0027672, MeSH D009386, MONDO:0015356.

Submission:

Ambry Genetics
Classification: Uncertain significance for Hereditary cancer-predisposing syndrome. Last evaluated: 2025-04-14. Review status: criteria provided, single submitter. Criteria: Ambry Variant Classification Scheme 2023. Collection method: clinical testing. Allele origin: germline.
Comment: The p.N1435S variant (also known as c.4304A>G), located in coding exon 10 of the BRCA2 gene, results from an A to G substitution at nucleotide position 4304. The asparagine at codon 1435 is replaced by serine, an amino acid with highly similar properties. This amino acid position is well conserved in available vertebrate species. In addition, this alteration is predicted to be tolerated by in silico analysis. Based on the available evidence, the clinical significance of this variant remains unclear.

NM_000059.4(BRCA2):c.4304A>G (p.Asn1435Ser)

Gene: BRCA2 (BRCA2 DNA repair associated; plus strand). Cytogenetic location: 13q13.1.
Variant type: single nucleotide variant.
Coding change: c.4304A>G on transcript NM_000059.4 (MANE Select); coding-DNA position 4304, A replaced by G.
Protein change: p.Asn1435Ser; replaces asparagine 1435 with serine.
Molecular consequence: missense variant. On other transcripts: non-coding transcript variant (1), intron variant (2).
Genome position (GRCh38, 1-based): chr13:32,338,659, A>G. VCF-style: chr13-32338659-A-G. GRCh37 (hg19) VCF-style: chr13-32912796-A-G.
Other names: c.4304A>G, p.Asn1435Ser (NM_001406719.1, NM_001406720.1, NM_001432077.1); c.1909+5272A>G (NM_001406721.1); c.425-5899A>G (NM_001406722.1); short protein forms N1435S.
Identifiers: ClinVar variation 3992674 (VCV003992674.1).